The following is an entry in ClinVar:

NM_006158.5(NEFL):c.935T>C (p.Leu312Pro)

Gene: NEFL (neurofilament light chain; minus strand). Cytogenetic location: 8p21.2.
Variant type: single nucleotide variant.
Coding change: c.935T>C on transcript NM_006158.5 (MANE Select); coding-DNA position 935, T replaced by C.
Protein change: p.Leu312Pro; replaces leucine 312 with proline.
Molecular consequence: missense variant.
Genome position (GRCh38, 1-based): chr8:24,955,581, A>G on the plus strand (T>C on the coding strand, the complement: NEFL is on the minus strand). VCF-style: chr8-24955581-A-G. GRCh37 (hg19) VCF-style: chr8-24813095-A-G.
Other names: short protein forms L312P.
Identifiers: ClinVar variation 2119922 (VCV002119922.5), dbSNP rs2486885960, ClinGen allele CA370621301.

ClinVar aggregate classification (germline): Uncertain significance. Review status: criteria provided, multiple submitters, no conflicts (2 of 4 stars). 2 submissions from 2 submitters: Uncertain significance (2). Last evaluated 2022-10-30.

Conditions:
Charcot-Marie-Tooth disease type 2E (CMT2E). Also called: CHARCOT-MARIE-TOOTH DISEASE, AXONAL, TYPE 2E; CHARCOT-MARIE-TOOTH NEUROPATHY, TYPE 2E. Identifiers: Orphanet 99939, MedGen C1843225, MONDO:0011894, OMIM 607684.

Submissions (2):

Labcorp Genetics (formerly Invitae), Labcorp
Classification: Uncertain significance for Charcot-Marie-Tooth disease type 2E. Last evaluated: 2022-10-30. Review status: criteria provided, single submitter. Criteria: Invitae Variant Classification Sherloc (09022015). Collection method: clinical testing. Allele origin: germline.
Comment: In summary, the available evidence is currently insufficient to determine the role of this variant in disease. Therefore, it has been classified as a Variant of Uncertain Significance. Advanced modeling of protein sequence and biophysical properties (such as structural, functional, and spatial information, amino acid conservation, physicochemical variation, residue mobility, and thermodynamic stability) performed at Invitae indicates that this missense variant is expected to disrupt NEFL protein function. This variant has not been reported in the literature in individuals affected with NEFL-related conditions. This variant is not present in population databases (gnomAD no frequency). This sequence change replaces leucine, which is neutral and non-polar, with proline, which is neutral and non-polar, at codon 312 of the NEFL protein (p.Leu312Pro).

Blueprint Genetics
Classification: Uncertain significance. Last evaluated: 2018-05-03. Review status: criteria provided, single submitter. Criteria: ACMG Guidelines, 2015. Collection method: clinical testing. Allele origin: germline.